The following is an entry in ClinVar:

ClinVar aggregate classification (germline): Benign (1 of 4 stars; one submission).

Conditions:
Colorectal cancer, susceptibility to, 12 (CRCS12). Also called: COLORECTAL CANCER, SUSCEPTIBILITY TO, ON CHROMOSOME 12q24. Identifiers: Orphanet 220460, MedGen C3554460, MONDO:0014038, OMIM 615083.

Submission:

Myriad Genetics, Inc.
Classification: Benign for Colorectal cancer, susceptibility to, 12. Last evaluated: 2025-02-11. Review status: criteria provided, single submitter. Criteria: Myriad Autosomal Dominant, Autosomal Recessive and X-Linked Classification Criteria (2023). Collection method: clinical testing. Allele origin: unknown.
Comment: This variant is considered benign. This variant is a silent/synonymous amino acid change and it is not expected to impact splicing.

NM_006231.4(POLE):c.1467_1470delinsTGAT (p.Pro489_Asp490=)

Gene: POLE (DNA polymerase epsilon, catalytic subunit; minus strand). Cytogenetic location: 12q24.33.
Variant type: Indel.
Coding change: c.1467_1470delinsTGAT on transcript NM_006231.4 (MANE Select); coding-DNA positions 1467 to 1470, CGAC replaced by TGAT.
Protein change: p.Pro489_Asp490=.
Molecular consequence: synonymous variant.
Genome position (GRCh38, 1-based): chr12:132,673,167-132,673,170, GTCG replaced by ATCA on the plus strand (CGAC replaced by TGAT on the coding strand, the reverse complement: POLE is on the minus strand). VCF-style: chr12-132673167-GTCG-ATCA. GRCh37 (hg19) VCF-style: chr12-133249753-GTCG-ATCA.
Identifiers: ClinVar variation 3904119 (VCV003904119.1).